The following is an entry in ClinVar:

ClinVar aggregate classification (germline): Benign. Review status: criteria provided, multiple submitters, no conflicts (2 of 4 stars). 3 submissions from 3 submitters: Benign (3). Last evaluated 2024-07-15.

Allele frequency attached by ClinVar (database versions not stated): 1000 Genomes Project 30x 0.58760; 1000 Genomes Project 0.58866; TOPMed 0.60086; gnomAD 0.62133 and 0.62323; gnomAD exomes 0.66621.
gnomAD v4.1: 939,406 of 1,420,082 alleles (66%); highest among the groups gnomAD compares: South Asian, 72%; 312,323 homozygotes.

Submissions (3):

Unidad de Genómica Garrahan, Hospital de Pediatría Garrahan
Classification: Benign. Last evaluated: 2024-07-15. Review status: criteria provided, single submitter. Criteria: ACMG Guidelines, 2015. Collection method: clinical testing. Allele origin: germline. Affected: no. Observed: 53 variant alleles.
Comment: This variant is classified as Benign based on local population frequency. This variant was detected in 57% of patients studied in a panel designed for Epileptic and Developmental Encephalopathy and Progressive Myoclonus Epilepsy. Number of patients: 53. Only high quality variants are reported.

GeneDx
Classification: Benign. Last evaluated: 2020-11-20. Review status: criteria provided, single submitter. Criteria: GeneDx Variant Classification Process June 2021. Collection method: clinical testing. Allele origin: germline. Affected: yes.

Breakthrough Genomics
Classification: Benign. Review status: criteria provided, single submitter. Criteria: ACMG Guidelines, 2015. Collection method: not provided. Allele origin: germline. Inheritance: Autosomal recessive inheritance. Affected: yes.

NM_015192.4(PLCB1):c.1513+70T>C

Gene: PLCB1 (phospholipase C beta 1; plus strand). Cytogenetic location: 20p12.3.
Variant type: single nucleotide variant.
Coding change: c.1513+70T>C on transcript NM_015192.4 (MANE Select); 70 bases into the intron after coding-DNA position 1513, T replaced by C.
Molecular consequence: intron variant.
Genome position (GRCh38, 1-based): chr20:8,717,918, T>C. VCF-style: chr20-8717918-T-C. GRCh37 (hg19) VCF-style: chr20-8698565-T-C.
Other names: c.1513+70T>C (NM_182734.3).
Identifiers: ClinVar variation 1295423 (VCV001295423.5), dbSNP rs6039243, ClinGen allele CA14794225.